The following is an entry in ClinVar:

ClinVar aggregate classification (germline): Uncertain significance (1 of 4 stars; one submission).

Conditions:
Myopathy, centronuclear, 2 (CNM2). Also called: MYOTUBULAR MYOPATHY, AUTOSOMAL RECESSIVE. Identifiers: Orphanet 169186, MedGen CN031787, MONDO:0009709, OMIM 255200.

Allele frequency attached by ClinVar (database versions not stated): gnomAD exomes below 0.00001.
gnomAD v4.1: 1 of 1,614,244 alleles (0.000062%); highest among the groups gnomAD compares: Non-Finnish European, 0.000085%; no homozygotes.

Submission:

Labcorp Genetics (formerly Invitae), Labcorp
Classification: Uncertain significance for Myopathy, centronuclear, 2. Last evaluated: 2023-02-04. Review status: criteria provided, single submitter. Criteria: Invitae Variant Classification Sherloc (09022015). Collection method: clinical testing. Allele origin: germline.
Comment: In summary, the available evidence is currently insufficient to determine the role of this variant in disease. Therefore, it has been classified as a Variant of Uncertain Significance. Advanced modeling of protein sequence and biophysical properties (such as structural, functional, and spatial information, amino acid conservation, physicochemical variation, residue mobility, and thermodynamic stability) performed at Invitae indicates that this missense variant is not expected to disrupt BIN1 protein function. This variant has not been reported in the literature in individuals affected with BIN1-related conditions. This variant is present in population databases (no rsID available, gnomAD 0.0009%). This sequence change replaces glutamine, which is neutral and polar, with arginine, which is basic and polar, at codon 528 of the BIN1 protein (p.Gln528Arg).

NM_139343.3(BIN1):c.1583A>G (p.Gln528Arg)

Gene: BIN1 (bridging integrator 1; minus strand). Cytogenetic location: 2q14.3.
Variant type: single nucleotide variant.
Coding change: c.1583A>G on transcript NM_139343.3 (MANE Select); coding-DNA position 1583, A replaced by G.
Protein change: p.Gln528Arg; replaces glutamine 528 with arginine.
Molecular consequence: missense variant.
Genome position (GRCh38, 1-based): chr2:127,050,512, T>C on the plus strand (A>G on the coding strand, the complement: BIN1 is on the minus strand). VCF-style: chr2-127050512-T-C. GRCh37 (hg19) VCF-style: chr2-127808088-T-C.
Other names: c.1076A>G, p.Gln359Arg (NM_001320632.2); c.1214A>G, p.Gln405Arg (NM_001320633.2); c.959A>G, p.Gln320Arg (NM_001320634.1); c.1343A>G, p.Gln448Arg (NM_001320640.2); c.1490A>G, p.Gln497Arg (NM_001320641.2); c.1502A>G, p.Gln501Arg (NM_001320642.1); c.1166A>G, p.Gln389Arg (NM_004305.4); c.1454A>G, p.Gln485Arg (NM_139344.3); and 7 more; short protein forms Q453R, Q497R, Q344R, Q359R, Q410R, Q448R, Q501R, Q320R.
Identifiers: ClinVar variation 2918746 (VCV002918746.3), dbSNP rs1412878762, ClinGen allele CA348374260.